The following is an entry in ClinVar:

ClinVar aggregate classification (germline): Uncertain significance (1 of 4 stars; one submission).

Conditions:
Familial cancer of breast. Also called: Hereditary breast cancer; BREAST CANCER, FAMILIAL; hereditary breast carcinoma. Identifiers: Orphanet 227535, MedGen C0346153, MONDO:0016419, OMIM 114480. Disease mechanism: loss of function.

Allele frequency attached by ClinVar (database versions not stated): gnomAD exomes below 0.00001.
gnomAD v4.1: 1 of 1,614,234 alleles (0.000062%); highest among the groups gnomAD compares: Non-Finnish European, 0.000085%; no homozygotes.

Submission:

Labcorp Genetics (formerly Invitae), Labcorp
Classification: Uncertain significance for Familial cancer of breast. Last evaluated: 2020-09-30. Review status: criteria provided, single submitter. Criteria: Invitae Variant Classification Sherloc (09022015). Collection method: clinical testing. Allele origin: germline.
Comment: In summary, the available evidence is currently insufficient to determine the role of this variant in disease. Therefore, it has been classified as a Variant of Uncertain Significance. This sequence change replaces serine with proline at codon 760 of the BARD1 protein (p.Ser760Pro). The serine residue is highly conserved and there is a moderate physicochemical difference between serine and proline. This variant is not present in population databases (ExAC no frequency). This variant has not been reported in the literature in individuals with BARD1-related conditions. Algorithms developed to predict the effect of missense changes on protein structure and function (SIFT, PolyPhen-2, Align-GVGD) all suggest that this variant is likely to be disruptive, but these predictions have not been confirmed by published functional studies and their clinical significance is uncertain.

NM_000465.4(BARD1):c.2278T>C (p.Ser760Pro)

Gene: BARD1 (BRCA1 associated RING domain 1; minus strand). Cytogenetic location: 2q35.
Variant type: single nucleotide variant.
Coding change: c.2278T>C on transcript NM_000465.4 (MANE Select); coding-DNA position 2278, T replaced by C.
Protein change: p.Ser760Pro; replaces serine 760 with proline.
Molecular consequence: missense variant. On other transcripts: non-coding transcript variant (3).
Genome position (GRCh38, 1-based): chr2:214,728,732, A>G on the plus strand (T>C on the coding strand, the complement: BARD1 is on the minus strand). VCF-style: chr2-214728732-A-G. GRCh37 (hg19) VCF-style: chr2-215593456-A-G.
Other names: c.2221T>C, p.Ser741Pro (NM_001282543.2); c.925T>C, p.Ser309Pro (NM_001282545.2); c.868T>C, p.Ser290Pro (NM_001282548.2); c.739T>C, p.Ser247Pro (NM_001282549.2); short protein forms S247P, S290P, S309P, S741P, S760P.
Identifiers: ClinVar variation 1019526 (VCV001019526.9), dbSNP rs1692194979, ClinGen allele CA350449928.
Genomic context (GRCh38, chr2:214,728,732, plus strand): 5'-ATATTCAGCTGTCAAGAGGAAGCAACTCAAAGGACATCACACAGTCTATAAACCAGCTCG[A>G]AGGAGCCTTCCAGACTTTGCCCTGCCGAACCCTCTCTGGGTGATAATTACACAAATCTTC-3'
Protein context (NP_000456.2, residues 750-770): VRQGKVWKAP[Ser760Pro]SWFIDCVMSF